The following is an entry in ClinVar:

ClinVar aggregate classification (germline): Uncertain significance (1 of 4 stars; one submission).

Conditions:
Candidiasis, familial, 8 (CANDF8). Identifiers: Orphanet 1334, MedGen C3714992, MONDO:0014230, OMIM 615527.

gnomAD v4.1: 2 of 1,613,818 alleles (0.00012%); highest among the groups gnomAD compares: Non-Finnish European, 0.000085%; no homozygotes.

Submission:

Labcorp Genetics (formerly Invitae), Labcorp
Classification: Uncertain significance for Candidiasis, familial, 8. Last evaluated: 2018-10-14. Review status: criteria provided, single submitter. Criteria: Invitae Variant Classification Sherloc (09022015). Collection method: clinical testing. Allele origin: germline.
Comment: In summary, the available evidence is currently insufficient to determine the role of this variant in disease. Therefore, it has been classified as a Variant of Uncertain Significance. Algorithms developed to predict the effect of missense changes on protein structure and function are either unavailable or do not agree on the potential impact of this missense change (SIFT: "Deleterious"; PolyPhen-2: "Probably Damaging"; Align-GVGD: "Class C0"). This variant has not been reported in the literature in individuals with TRAF3IP2-related disease. This variant is not present in population databases (ExAC no frequency). This sequence change replaces proline with alanine at codon 6 of the TRAF3IP2 protein (p.Pro6Ala). The proline residue is moderately conserved and there is a small physicochemical difference between proline and alanine.

NM_147686.4(TRAF3IP2):c.16C>G (p.Pro6Ala)

Genes: TRAF3IP2-AS1 (TRAF3IP2 antisense RNA 1; plus strand), TRAF3IP2 (TRAF3 interacting protein 2; minus strand). Cytogenetic location: 6q21.
Variant type: single nucleotide variant.
Coding change: c.16C>G on transcript NM_147686.4 (MANE Select); coding-DNA position 16, C replaced by G.
Protein change: p.Pro6Ala; replaces proline 6 with alanine.
Molecular consequence: missense variant.
Genome position (GRCh38, 1-based): chr6:111,592,071, G>C on the plus strand (C>G on the coding strand, the complement: TRAF3IP2 is on the minus strand). VCF-style: chr6-111592071-G-C. GRCh37 (hg19) VCF-style: chr6-111913274-G-C.
Other names: c.16C>G, p.Pro6Ala (NM_001164281.3); c.43C>G, p.Pro15Ala (NM_147200.3); short protein forms P15A, P6A.
Identifiers: ClinVar variation 663282 (VCV000663282.8), dbSNP rs1471659672, ClinGen allele CA365370458.